The following is an entry in ClinVar:

ClinVar aggregate classification (germline): Uncertain significance (1 of 4 stars; one submission).

Conditions:
Hereditary cancer-predisposing syndrome. Also called: Hereditary neoplastic syndrome; Neoplastic Syndromes, Hereditary; Hereditary Cancer Syndrome; Tumor predisposition. Identifiers: Orphanet 140162, MedGen C0027672, MeSH D009386, MONDO:0015356.

Submission:

Labcorp Genetics (formerly Invitae), Labcorp
Classification: Uncertain significance for Hereditary cancer-predisposing syndrome. Last evaluated: 2023-10-18. Review status: criteria provided, single submitter. Criteria: Invitae Variant Classification Sherloc (09022015). Collection method: clinical testing. Allele origin: germline.
Comment: This sequence change replaces arginine, which is basic and polar, with glycine, which is neutral and non-polar, at codon 337 of the RAD50 protein (p.Arg337Gly). This variant is not present in population databases (gnomAD no frequency). This variant has not been reported in the literature in individuals affected with RAD50-related conditions. Advanced modeling of protein sequence and biophysical properties (such as structural, functional, and spatial information, amino acid conservation, physicochemical variation, residue mobility, and thermodynamic stability) performed at Invitae indicates that this missense variant is not expected to disrupt RAD50 protein function. In summary, the available evidence is currently insufficient to determine the role of this variant in disease. Therefore, it has been classified as a Variant of Uncertain Significance.

NM_005732.4(RAD50):c.1009A>G (p.Arg337Gly)

Gene: RAD50 (RAD50 double strand break repair protein; plus strand). Cytogenetic location: 5q31.1.
Variant type: single nucleotide variant.
Coding change: c.1009A>G on transcript NM_005732.4 (MANE Select); coding-DNA position 1009, A replaced by G.
Protein change: p.Arg337Gly; replaces arginine 337 with glycine.
Molecular consequence: missense variant.
Genome position (GRCh38, 1-based): chr5:132,588,047, A>G. VCF-style: chr5-132588047-A-G. GRCh37 (hg19) VCF-style: chr5-131923739-A-G.
Other names: short protein forms R337G.
Identifiers: ClinVar variation 2765452 (VCV002765452.3), dbSNP rs2479632831, ClinGen allele CA360941428.